The following is an entry in ClinVar:

NM_000245.4(MET):c.1802C>T (p.Thr601Ile)

Gene: MET (MET proto-oncogene, receptor tyrosine kinase; plus strand). Cytogenetic location: 7q31.2.
Variant type: single nucleotide variant.
Coding change: c.1802C>T on transcript NM_000245.4 (MANE Select); coding-DNA position 1802, C replaced by T.
Protein change: p.Thr601Ile; replaces threonine 601 with isoleucine.
Molecular consequence: missense variant.
Genome position (GRCh38, 1-based): chr7:116,755,455, C>T. VCF-style: chr7-116755455-C-T. GRCh37 (hg19) VCF-style: chr7-116395509-C-T.
Other names: c.512C>T, p.Thr171Ile (NM_001324402.2); c.1802C>T, p.Thr601Ile (NM_001127500.3, NM_001324401.3); short protein forms T171I, T601I.
Identifiers: ClinVar variation 5024365 (VCV005024365.1).
Genomic context (GRCh38, chr7:116,755,455, plus strand): 5'-TGACCATATGTGGCTGGGACTTTGGATTTCGGAGGAATAATAAATTTGATTTAAAGAAAA[C>T]TAGAGTTCTCCTTGGAAATGAGAGCTGCACCTTGACTTTAAGTGAGAGCACGATGAATAC-3'
Protein context (NP_000236.2, residues 591-611): RRNNKFDLKK[Thr601Ile]RVLLGNESCT

ClinVar aggregate classification (germline): Uncertain significance (1 of 4 stars; one submission).

Conditions:
Hereditary cancer-predisposing syndrome. Also called: Neoplastic Syndromes, Hereditary; Tumor predisposition; Hereditary neoplastic syndrome; Hereditary Cancer Syndrome. Identifiers: Orphanet 140162, MedGen C0027672, MeSH D009386, MONDO:0015356.

Submission:

Ambry Genetics
Classification: Uncertain significance for Hereditary cancer-predisposing syndrome. Last evaluated: 2026-07-06. Review status: criteria provided, single submitter. Criteria: Ambry Variant Classification Scheme 2023. Collection method: clinical testing. Allele origin: germline.
Comment: The p.T601I variant (also known as c.1802C>T), located in coding exon 5 of the MET gene, results from a C to T substitution at nucleotide position 1802. The threonine at codon 601 is replaced by isoleucine, an amino acid with similar properties. This amino acid position is conserved. In addition, this alteration is predicted to be deleterious by in silico analysis. Based on the available evidence, the clinical significance of this variant remains unclear.